The following is an entry in ClinVar:

NM_002291.3(LAMB1):c.1867C>T (p.His623Tyr)

Gene: LAMB1 (laminin subunit beta 1; minus strand). Cytogenetic location: 7q31.1.
Variant type: single nucleotide variant.
Coding change: c.1867C>T on transcript NM_002291.3 (MANE Select); coding-DNA position 1867, C replaced by T.
Protein change: p.His623Tyr; replaces histidine 623 with tyrosine.
Molecular consequence: missense variant.
Genome position (GRCh38, 1-based): chr7:107,961,667, G>A on the plus strand (C>T on the coding strand, the complement: LAMB1 is on the minus strand). VCF-style: chr7-107961667-G-A. GRCh37 (hg19) VCF-style: chr7-107602112-G-A.
Other names: c.1867C>T (NM_002291.2); short protein forms H623Y.
Identifiers: ClinVar variation 1948770 (VCV001948770.6), dbSNP rs752194192, ClinGen allele CA4435840.

ClinVar aggregate classification (germline): Uncertain significance. Review status: criteria provided, multiple submitters, no conflicts (2 of 4 stars). 2 submissions from 2 submitters: Uncertain significance (2). Last evaluated 2025-06-12.

Conditions:
Inborn genetic diseases. Identifiers: MedGen C0950123, MeSH D030342.

Allele frequency attached by ClinVar (database versions not stated): TOPMed below 0.00001; ExAC 0.00001; gnomAD 0.00001.
gnomAD v4.1: 10 of 1,613,082 alleles (0.00062%); highest among the groups gnomAD compares: Admixed American, 0.005%; no homozygotes.

Submissions (2):

Labcorp Genetics (formerly Invitae), Labcorp
Classification: Uncertain significance. Last evaluated: 2025-06-12. Review status: criteria provided, single submitter. Criteria: Invitae Variant Classification Sherloc (09022015). Collection method: clinical testing. Allele origin: germline.
Comment: This sequence change replaces histidine, which is basic and polar, with tyrosine, which is neutral and polar, at codon 623 of the LAMB1 protein (p.His623Tyr). This variant is present in population databases (rs752194192, gnomAD 0.003%). This variant has not been reported in the literature in individuals affected with LAMB1-related conditions. ClinVar contains an entry for this variant (Variation ID: 1948770). An algorithm developed to predict the effect of missense changes on protein structure and function (PolyPhen-2) suggests that this variant is likely to be tolerated. In summary, the available evidence is currently insufficient to determine the role of this variant in disease. Therefore, it has been classified as a Variant of Uncertain Significance.

Ambry Genetics
Classification: Uncertain significance for Inborn genetic diseases. Last evaluated: 2025-02-19. Review status: criteria provided, single submitter. Criteria: Ambry Variant Classification Scheme 2023. Collection method: clinical testing. Allele origin: germline.